The following is an entry in ClinVar:

ClinVar aggregate classification (germline): Uncertain significance. Review status: criteria provided, multiple submitters, no conflicts (2 of 4 stars). 3 submissions from 3 submitters: Uncertain significance (3). Last evaluated 2025-12-30.

Conditions:
Hereditary cancer-predisposing syndrome. Also called: Tumor predisposition; Hereditary Cancer Syndrome; Hereditary neoplastic syndrome; Neoplastic Syndromes, Hereditary. Identifiers: Orphanet 140162, MedGen C0027672, MeSH D009386, MONDO:0015356.
Fanconi anemia complementation group J. Also called: BRIP1-Related Fanconi Anemia. Identifiers: Orphanet 84, MedGen C1836860, MONDO:0012187, OMIM 609054.
Familial cancer of breast. Also called: Hereditary breast cancer; BREAST CANCER, FAMILIAL; hereditary breast carcinoma. Identifiers: Orphanet 227535, MedGen C0346153, MONDO:0016419, OMIM 114480. Disease mechanism: loss of function.

gnomAD v4.1: 1 of 1,611,484 alleles (0.000062%); highest among the groups gnomAD compares: Non-Finnish European, 0.000085%; no homozygotes.

Submissions (3):

Ambry Genetics
Classification: Uncertain significance for Hereditary cancer-predisposing syndrome. Last evaluated: 2025-12-30. Review status: criteria provided, single submitter. Criteria: Ambry Variant Classification Scheme 2023. Collection method: clinical testing. Allele origin: germline.
Comment: The c.628-3C>T intronic variant results from a C to T substitution 3 nucleotides upstream from coding exon 6 in the BRIP1 gene. This nucleotide position is highly conserved in available vertebrate species. In silico splice site analysis for this alteration is inconclusive. Based on the available evidence, the clinical significance of this variant remains unclear.

Color Diagnostics, LLC DBA Color Health
Classification: Uncertain significance for Hereditary cancer-predisposing syndrome. Last evaluated: 2024-01-05. Review status: criteria provided, single submitter. Criteria: ACMG Guidelines, 2015. Collection method: clinical testing. Allele origin: germline.
Comment: This variant causes a C to T nucleotide substitution at the -3 position of intron 6/19 of the BRIP1 gene. To our knowledge, RNA studies have not been reported for this variant. This variant has not been reported in individuals affected with BRIP1-related disorders in the literature. This variant has not been identified in the general population by the Genome Aggregation Database (gnomAD). The available evidence is insufficient to determine the role of this variant in disease conclusively. Therefore, this variant is classified as a Variant of Uncertain Significance.

Labcorp Genetics (formerly Invitae), Labcorp
Classification: Uncertain significance for Familial cancer of breast; Fanconi anemia complementation group J. Last evaluated: 2023-10-04. Review status: criteria provided, single submitter. Criteria: Invitae Variant Classification Sherloc (09022015). Collection method: clinical testing. Allele origin: germline.
Comment: This sequence change falls in intron 6 of the BRIP1 gene. It does not directly change the encoded amino acid sequence of the BRIP1 protein. It affects a nucleotide within the consensus splice site. This variant is not present in population databases (gnomAD no frequency). This variant has not been reported in the literature in individuals affected with BRIP1-related conditions. Variants that disrupt the consensus splice site are a relatively common cause of aberrant splicing (PMID: 17576681, 9536098). Algorithms developed to predict the effect of sequence changes on RNA splicing suggest that this variant is not likely to affect RNA splicing. In summary, the available evidence is currently insufficient to determine the role of this variant in disease. Therefore, it has been classified as a Variant of Uncertain Significance.

Literature cited by the submitters: PubMed 17576681 (cited by Labcorp Genetics (formerly Invitae), Labcorp); PubMed 9536098 (cited by Labcorp Genetics (formerly Invitae), Labcorp).

NM_032043.3(BRIP1):c.628-3C>T

Gene: BRIP1 (BRCA1 interacting DNA helicase 1; minus strand). Cytogenetic location: 17q23.2.
Variant type: single nucleotide variant.
Coding change: c.628-3C>T on transcript NM_032043.3 (MANE Select); 3 bases into the intron before coding-DNA position 628, C replaced by T.
Molecular consequence: intron variant.
Genome position (GRCh38, 1-based): chr17:61,808,760, G>A on the plus strand (C>T on the coding strand, the complement: BRIP1 is on the minus strand). VCF-style: chr17-61808760-G-A. GRCh37 (hg19) VCF-style: chr17-59886121-G-A.
Other names: c.628-3C>T (NM_032043.2).
Identifiers: ClinVar variation 2775005 (VCV002775005.6), dbSNP rs2145424078, ClinGen allele CA2576345191.